The following is an entry in ClinVar:

NM_001042492.3(NF1):c.4626T>C (p.Leu1542=)

Gene: NF1 (neurofibromin 1; plus strand). Cytogenetic location: 17q11.2.
Variant type: single nucleotide variant.
Coding change: c.4626T>C on transcript NM_001042492.3 (MANE Select); coding-DNA position 4626, T replaced by C.
Protein change: p.Leu1542=; no amino-acid change (leucine 1542 retained).
Molecular consequence: synonymous variant.
Genome position (GRCh38, 1-based): chr17:31,261,759, T>C. VCF-style: chr17-31261759-T-C. GRCh37 (hg19) VCF-style: chr17-29588777-T-C.
Other names: c.4563T>C, p.Leu1521= (NM_000267.4).
Identifiers: ClinVar variation 457707 (VCV000457707.16), dbSNP rs1555619012, ClinGen allele CA499233859.

ClinVar aggregate classification (germline): Likely benign. Review status: criteria provided, multiple submitters, no conflicts (2 of 4 stars). 5 submissions from 5 submitters: Likely benign (5). Last evaluated 2024-06-28.

Conditions:
Neurofibromatosis, type 1 (NF1). Also called: VON RECKLINGHAUSEN DISEASE; NEUROFIBROMATOSIS, TYPE I, SOMATIC; Peripheral type neurofibromatosis; Neurofibromatosis, type I. Identifiers: Orphanet 636, MedGen C0027831, MONDO:0018975, OMIM 162200. Disease mechanism: loss of function.
Cardiovascular phenotype. Identifiers: MedGen CN230736.
Hereditary cancer-predisposing syndrome. Also called: Hereditary Cancer Syndrome; Hereditary neoplastic syndrome; Tumor predisposition; Neoplastic Syndromes, Hereditary. Identifiers: Orphanet 140162, MedGen C0027672, MeSH D009386, MONDO:0015356.

Submissions (5):

Labcorp Genetics (formerly Invitae), Labcorp
Classification: Likely benign for Neurofibromatosis, type 1. Last evaluated: 2024-06-28. Review status: criteria provided, single submitter. Criteria: Invitae Variant Classification Sherloc (09022015). Collection method: clinical testing. Allele origin: germline.

Genome-Nilou Lab
Classification: Likely benign for Neurofibromatosis, type 1. Last evaluated: 2022-03-15. Review status: criteria provided, single submitter. Criteria: ACMG Guidelines, 2015. Collection method: clinical testing. Allele origin: germline. Affected: no.

Ambry Genetics
Classification: Likely benign for Cardiovascular phenotype; Hereditary cancer-predisposing syndrome. Last evaluated: 2021-08-21. Review status: criteria provided, single submitter. Criteria: Ambry Variant Classification Scheme 2023. Collection method: clinical testing. Allele origin: germline.

Genetic Services Laboratory, University of Chicago
Classification: Likely benign. Last evaluated: 2020-08-28. Review status: criteria provided, single submitter. Criteria: ACMG Guidelines, 2015. Collection method: clinical testing. Allele origin: germline. Affected: no.

GeneDx
Classification: Likely benign. Last evaluated: 2018-05-11. Review status: criteria provided, single submitter. Criteria: GeneDx Variant Classification (06012015). Collection method: clinical testing. Allele origin: germline. Affected: yes.
Comment: This variant is considered likely benign or benign based on one or more of the following criteria: it is a conservative change, it occurs at a poorly conserved position in the protein, it is predicted to be benign by multiple in silico algorithms, and/or has population frequency not consistent with disease.